The following is an entry in ClinVar:

ClinVar aggregate classification (germline): Uncertain significance (1 of 4 stars; one submission).

Submission:

Labcorp Genetics (formerly Invitae), Labcorp
Classification: Uncertain significance. Last evaluated: 2021-10-15. Review status: criteria provided, single submitter. Criteria: Invitae Variant Classification Sherloc (09022015). Collection method: clinical testing. Allele origin: germline.
Comment: This sequence change replaces tyrosine with cysteine at codon 1193 of the POLA1 protein (p.Tyr1193Cys). The tyrosine residue is highly conserved and there is a large physicochemical difference between tyrosine and cysteine. This variant is not present in population databases (ExAC no frequency). This variant has not been reported in the literature in individuals affected with POLA1-related conditions. Algorithms developed to predict the effect of missense changes on protein structure and function (SIFT, PolyPhen-2, Align-GVGD) all suggest that this variant is likely to be disruptive. Algorithms developed to predict the effect of sequence changes on RNA splicing suggest that this variant may create or strengthen a splice site. In summary, the available evidence is currently insufficient to determine the role of this variant in disease. Therefore, it has been classified as a Variant of Uncertain Significance.

NM_001330360.2(POLA1):c.3596A>G (p.Tyr1199Cys)

Gene: POLA1 (DNA polymerase alpha 1, catalytic subunit; plus strand). Cytogenetic location: Xp22.11.
Variant type: single nucleotide variant.
Coding change: c.3596A>G on transcript NM_001330360.2 (MANE Select); coding-DNA position 3596, A replaced by G.
Protein change: p.Tyr1199Cys; replaces tyrosine 1199 with cysteine.
Molecular consequence: missense variant. On other transcripts: non-coding transcript variant (2).
Genome position (GRCh38, 1-based): chrX:24,826,461, A>G. VCF-style: chrX-24826461-A-G. GRCh37 (hg19) VCF-style: chrX-24844578-A-G.
Other names: c.3521A>G, p.Tyr1174Cys (NM_001378303.1); c.3578A>G, p.Tyr1193Cys (NM_016937.4); short protein forms Y1199C, Y1174C, Y1193C.
Identifiers: ClinVar variation 1404499 (VCV001404499.6), dbSNP rs2147024342, ClinGen allele CA412528634.